The following is an entry in ClinVar:

ClinVar aggregate classification (germline): Uncertain significance (1 of 4 stars; one submission).

Submission:

Labcorp Genetics (formerly Invitae), Labcorp
Classification: Uncertain significance. Last evaluated: 2023-03-18. Review status: criteria provided, single submitter. Criteria: Invitae Variant Classification Sherloc (09022015). Collection method: clinical testing. Allele origin: germline.
Comment: This sequence change replaces isoleucine, which is neutral and non-polar, with threonine, which is neutral and polar, at codon 553 of the COL9A3 protein (p.Ile553Thr). This variant is not present in population databases (gnomAD no frequency). This variant has not been reported in the literature in individuals affected with COL9A3-related conditions. Advanced modeling of protein sequence and biophysical properties (such as structural, functional, and spatial information, amino acid conservation, physicochemical variation, residue mobility, and thermodynamic stability) performed at Invitae indicates that this missense variant is not expected to disrupt COL9A3 protein function. In summary, the available evidence is currently insufficient to determine the role of this variant in disease. Therefore, it has been classified as a Variant of Uncertain Significance.

NM_001853.4(COL9A3):c.1658T>C (p.Ile553Thr)

Gene: COL9A3 (collagen type IX alpha 3 chain; plus strand). Cytogenetic location: 20q13.33.
Variant type: single nucleotide variant.
Coding change: c.1658T>C on transcript NM_001853.4 (MANE Select); coding-DNA position 1658, T replaced by C.
Protein change: p.Ile553Thr; replaces isoleucine 553 with threonine.
Molecular consequence: missense variant.
Genome position (GRCh38, 1-based): chr20:62,837,137, T>C. VCF-style: chr20-62837137-T-C. GRCh37 (hg19) VCF-style: chr20-61468489-T-C.
Other names: short protein forms I553T.
Identifiers: ClinVar variation 2856104 (VCV002856104.3), dbSNP rs2516089381, ClinGen allele CA409599173.